The following is an entry in ClinVar:

NM_005732.4(RAD50):c.965T>C (p.Leu322Ser)

Gene: RAD50 (RAD50 double strand break repair protein; plus strand). Cytogenetic location: 5q31.1.
Variant type: single nucleotide variant.
Coding change: c.965T>C on transcript NM_005732.4 (MANE Select); coding-DNA position 965, T replaced by C.
Protein change: p.Leu322Ser; replaces leucine 322 with serine.
Molecular consequence: missense variant.
Genome position (GRCh38, 1-based): chr5:132,588,003, T>C. VCF-style: chr5-132588003-T-C. GRCh37 (hg19) VCF-style: chr5-131923695-T-C.
Other names: short protein forms L322S.
Identifiers: ClinVar variation 486250 (VCV000486250.14), dbSNP rs745466370, ClinGen allele CA360941164.

ClinVar aggregate classification (germline): Uncertain significance. Review status: criteria provided, multiple submitters, no conflicts (2 of 4 stars). 2 submissions from 2 submitters: Uncertain significance (2). Last evaluated 2024-10-28.

Conditions:
Hereditary cancer-predisposing syndrome. Also called: Tumor predisposition; Hereditary Cancer Syndrome; Hereditary neoplastic syndrome; Neoplastic Syndromes, Hereditary. Identifiers: Orphanet 140162, MedGen C0027672, MeSH D009386, MONDO:0015356.

Submissions (2):

Ambry Genetics
Classification: Uncertain significance for Hereditary cancer-predisposing syndrome. Last evaluated: 2024-10-28. Review status: criteria provided, single submitter. Criteria: Ambry Variant Classification Scheme 2023. Collection method: clinical testing. Allele origin: germline.
Comment: The p.L322S variant (also known as c.965T>C), located in coding exon 7 of the RAD50 gene, results from a T to C substitution at nucleotide position 965. The leucine at codon 322 is replaced by serine, an amino acid with dissimilar properties. This variant was not reported in population based cohorts in the following databases: Database of Single Nucleotide Polymorphisms (dbSNP), NHLBI Exome Sequencing Project (ESP), and 1000 Genomes Project. In the ESP, this variant was not observed in 6503 samples (13006 alleles) with coverage at this position. To date, this alteration has been detected with an allele frequency of approximately 0.001% (greater than 175000 alleles tested) in our clinical cohort. This amino acid position is highly conserved in available vertebrate species. In addition, the in silico prediction for this alteration is inconclusive. Since supporting evidence is limited at this time, the clinical significance of this alteration remains unclear.

Labcorp Genetics (formerly Invitae), Labcorp
Classification: Uncertain significance for Hereditary cancer-predisposing syndrome. Last evaluated: 2022-09-22. Review status: criteria provided, single submitter. Criteria: Invitae Variant Classification Sherloc (09022015). Collection method: clinical testing. Allele origin: germline.
Comment: In summary, the available evidence is currently insufficient to determine the role of this variant in disease. Therefore, it has been classified as a Variant of Uncertain Significance. Advanced modeling of protein sequence and biophysical properties (such as structural, functional, and spatial information, amino acid conservation, physicochemical variation, residue mobility, and thermodynamic stability) performed at Invitae indicates that this missense variant is expected to disrupt RAD50 protein function. ClinVar contains an entry for this variant (Variation ID: 486250). This variant has not been reported in the literature in individuals affected with RAD50-related conditions. This variant is not present in population databases (gnomAD no frequency). This sequence change replaces leucine, which is neutral and non-polar, with serine, which is neutral and polar, at codon 322 of the RAD50 protein (p.Leu322Ser).